The following is an entry in ClinVar:

ClinVar aggregate classification (germline): Conflicting classifications of pathogenicity. Review status: criteria provided, conflicting classifications (1 of 4 stars). 7 submissions from 7 submitters: Pathogenic (2); Likely pathogenic (3); Uncertain significance (1). 1 of the submissions does not count toward it. Last evaluated 2025-10-14.

Conditions:
Retinitis pigmentosa (RP). Identifiers: Orphanet 791, MedGen C0035334, MeSH D012174, MONDO:0019200, OMIM 268000. Inheritance: Autosomal dominant, autosomal recessive and X linked inheritance.
USH2A-related disorder. Also called: USH2A-related disorders; USH2A-related condition. Identifiers: MedGen CN239332.
Retinitis pigmentosa 39 (RP39). Identifiers: Orphanet 791, MedGen C3151138, MONDO:0013436, OMIM 613809.
Usher syndrome type 2A. Also called: USHER SYNDROME, TYPE IIA; RETINAL DISEASE IN USHER SYNDROME TYPE IIA, MODIFIER OF. Identifiers: Orphanet 231178, Orphanet 886, MedGen C1848634, MONDO:0010169, OMIM 276901.

Allele frequency attached by ClinVar (database versions not stated): TOPMed 0.00001; gnomAD exomes 0.00002 and 0.00003; ExAC 0.00004.
gnomAD v4.1: 24 of 1,613,844 alleles (0.0015%); highest among the groups gnomAD compares: South Asian, 0.0044%; no homozygotes.

Submissions (7):

Labcorp Genetics (formerly Invitae), Labcorp
Classification: Pathogenic. Last evaluated: 2025-10-14. Review status: criteria provided, single submitter. Criteria: Invitae Variant Classification Sherloc (09022015). Collection method: clinical testing. Allele origin: germline.
Comment: This sequence change replaces glutamic acid, which is acidic and polar, with lysine, which is basic and polar, at codon 4784 of the USH2A protein (p.Glu4784Lys). This variant is present in population databases (rs746837034, gnomAD 0.006%). This missense change has been observed in individual(s) with retinitis pigmentosa and/or Usher syndrome (PMID: 31456290, 32675063, 33124170; internal data). In at least one individual the data is consistent with being in trans (on the opposite chromosome) from a pathogenic variant. ClinVar contains an entry for this variant (Variation ID: 812447). Invitae Evidence Modeling of protein sequence and biophysical properties (such as structural, functional, and spatial information, amino acid conservation, physicochemical variation, residue mobility, and thermodynamic stability) has been performed for this missense variant. However, the output from this modeling did not meet the statistical confidence thresholds required to predict the impact of this variant on USH2A protein function. For these reasons, this variant has been classified as Pathogenic.

Natera, Inc.
Classification: Likely pathogenic for Usher syndrome type 2A. Last evaluated: 2025-09-12. Review status: criteria provided, single submitter. Criteria: Natera Variant Classification Schema (03/2026). Collection method: clinical testing. Allele origin: germline.
Comment: The c.14350G>A variant in USH2A is a missense variant predicted to cause substitution of glutamic acid to lysine at amino acid 4784. This variant is rare in the general population with a frequency below the threshold expected for the associated phenotype(s). This variant has been observed in one or more individuals affected with the associated recessive disease, as either homozygous or compound heterozygous with a second variant (PMID: 32675063, 33124170). Computational prediction algorithms indicate this variant is likely to affect gene or protein function. Given the available evidence, this variant is classified as Likely Pathogenic.

Blueprint Genetics
Classification: Pathogenic for USH2A-related disorders. Last evaluated: 2024-06-05. Review status: criteria provided, single submitter. Criteria: ACMG Guidelines, 2015. Collection method: clinical testing. Allele origin: germline. Affected: yes. Observed: 5 variant alleles.

Fulgent Genetics
Classification: Likely pathogenic for Usher syndrome type 2A; Retinitis pigmentosa 39. Last evaluated: 2024-04-15. Review status: criteria provided, single submitter. Criteria: ACMG Guidelines, 2015. Collection method: clinical testing. Allele origin: germline.

Baylor Genetics
Classification: Likely pathogenic for Retinitis pigmentosa 39. Last evaluated: 2024-03-10. Review status: criteria provided, single submitter. Criteria: ACMG Guidelines, 2015. Collection method: clinical testing. Allele origin: unknown.

GeneDx
Classification: Uncertain significance. Last evaluated: 2018-10-22. Review status: criteria provided, single submitter. Criteria: GeneDx Variant Classification Process June 2021. Collection method: clinical testing. Allele origin: germline. Affected: yes.
Comment: In silico analysis supports that this missense variant does not alter protein structure/function; This variant is associated with the following publications: (PMID: 31456290, 33124170)

Sharon lab, Hadassah-Hebrew University Medical Center
Classification: Likely pathogenic for Retinitis pigmentosa. Last evaluated: 2019-06-23. Review status: no assertion criteria provided. Collection method: research. Allele origin: inherited. Affected: yes. Not counted in ClinVar's aggregate classification.

Literature cited by the submitters: PubMed 31456290 (cited by Labcorp Genetics (formerly Invitae), Labcorp); PubMed 32675063 (cited by Labcorp Genetics (formerly Invitae), Labcorp and Natera, Inc.); PubMed 33124170 (cited by Labcorp Genetics (formerly Invitae), Labcorp and Natera, Inc.).

NM_206933.4(USH2A):c.14350G>A (p.Glu4784Lys)

Gene: USH2A (usherin; minus strand). Cytogenetic location: 1q41.
Variant type: single nucleotide variant.
Coding change: c.14350G>A on transcript NM_206933.4 (MANE Select); coding-DNA position 14350, G replaced by A.
Protein change: p.Glu4784Lys; replaces glutamic acid 4784 with lysine.
Molecular consequence: missense variant.
Genome position (GRCh38, 1-based): chr1:215,648,760, C>T on the plus strand (G>A on the coding strand, the complement: USH2A is on the minus strand). VCF-style: chr1-215648760-C-T. GRCh37 (hg19) VCF-style: chr1-215822102-C-T.
Other names: short protein forms E4784K.
Identifiers: ClinVar variation 812447 (VCV000812447.15), dbSNP rs746837034, ClinGen allele CA1393037.